The following is an entry in ClinVar:

ClinVar aggregate classification (germline): Uncertain significance. Review status: criteria provided, multiple submitters, no conflicts (2 of 4 stars). 2 submissions from 2 submitters: Uncertain significance (2). Last evaluated 2024-11-05.

Conditions:
RASopathy. Also called: Noonan spectrum disorder; rasopathies. Identifiers: Orphanet 536391, MedGen C5555857, MONDO:0021060.

Allele frequency attached by ClinVar (database versions not stated): TOPMed below 0.00001; gnomAD 0.00001.
gnomAD v4.1: 9 of 1,613,952 alleles (0.00056%); highest among the groups gnomAD compares: Non-Finnish European, 0.00076%; no homozygotes.

Submissions (2):

Blueprint Genetics
Classification: Uncertain significance. Last evaluated: 2024-11-05. Review status: criteria provided, single submitter. Criteria: ACMG Guidelines, 2015. Collection method: clinical testing. Allele origin: germline.

Labcorp Genetics (formerly Invitae), Labcorp
Classification: Uncertain significance for RASopathy. Last evaluated: 2021-06-21. Review status: criteria provided, single submitter. Criteria: Invitae Variant Classification Sherloc (09022015). Collection method: clinical testing. Allele origin: germline.
Comment: This variant has not been reported in the literature in individuals with RAF1-related conditions. This variant is not present in population databases (ExAC no frequency). This sequence change replaces serine with cysteine at codon 612 of the RAF1 protein (p.Ser612Cys). The serine residue is moderately conserved and there is a moderate physicochemical difference between serine and cysteine. Advanced modeling of protein sequence and biophysical properties (such as structural, functional, and spatial information, amino acid conservation, physicochemical variation, residue mobility, and thermodynamic stability) performed at Invitae indicates that this missense variant is expected to disrupt RAF1 protein function. In summary, the available evidence is currently insufficient to determine the role of this variant in disease. Therefore, it has been classified as a Variant of Uncertain Significance.

NM_002880.4(RAF1):c.1835C>G (p.Ser612Cys)

Gene: RAF1 (Raf-1 proto-oncogene, serine/threonine kinase; minus strand). Cytogenetic location: 3p25.2.
Variant type: single nucleotide variant.
Coding change: c.1835C>G on transcript NM_002880.4 (MANE Select); coding-DNA position 1835, C replaced by G.
Protein change: p.Ser612Cys; replaces serine 612 with cysteine.
Molecular consequence: missense variant. On other transcripts: non-coding transcript variant (3).
Genome position (GRCh38, 1-based): chr3:12,584,626, G>C on the plus strand (C>G on the coding strand, the complement: RAF1 is on the minus strand). VCF-style: chr3-12584626-G-C. GRCh37 (hg19) VCF-style: chr3-12626125-G-C.
Other names: c.1895C>G, p.Ser632Cys (NM_001354689.3); c.1835C>G, p.Ser612Cys (NM_001354690.3); c.1592C>G, p.Ser531Cys (NM_001354691.3, NM_001354692.3); c.1736C>G, p.Ser579Cys (NM_001354693.3); c.1652C>G, p.Ser551Cys (NM_001354694.3); c.1493C>G, p.Ser498Cys (NM_001354695.3); short protein forms S551C, S579C, S531C, S612C, S632C, S498C.
Identifiers: ClinVar variation 1038077 (VCV001038077.9), dbSNP rs1319525639, ClinGen allele CA351496095.